The following is an entry in ClinVar:

ClinVar aggregate classification (germline): Pathogenic (1 of 4 stars; one submission).

Conditions:
Hereditary cancer-predisposing syndrome. Also called: Neoplastic Syndromes, Hereditary; Tumor predisposition; Hereditary Cancer Syndrome; Hereditary neoplastic syndrome. Identifiers: Orphanet 140162, MedGen C0027672, MeSH D009386, MONDO:0015356.

Submission:

Labcorp Genetics (formerly Invitae), Labcorp
Classification: Pathogenic for Hereditary cancer-predisposing syndrome. Last evaluated: 2023-07-07. Review status: criteria provided, single submitter. Criteria: Invitae Variant Classification Sherloc (09022015). Collection method: clinical testing. Allele origin: germline.
Comment: This sequence change creates a premature translational stop signal (p.Leu944Thrfs*3) in the RAD50 gene. It is expected to result in an absent or disrupted protein product. Loss-of-function variants in RAD50 are known to be pathogenic (PMID: 19409520). This variant is not present in population databases (gnomAD no frequency). This variant has not been reported in the literature in individuals affected with RAD50-related conditions. For these reasons, this variant has been classified as Pathogenic.

Literature cited by the submitters: PubMed 19409520.

NM_005732.4(RAD50):c.2829dup (p.Leu944fs)

Gene: RAD50 (RAD50 double strand break repair protein; plus strand). Cytogenetic location: 5q31.1.
Variant type: Duplication.
Coding change: c.2829dup on transcript NM_005732.4 (MANE Select); coding-DNA position 2829, one base duplicated (A; older notation c.2829dupA).
Protein change: p.Leu944fs; shifts the reading frame from leucine 944.
Molecular consequence: frameshift variant.
Genome position (GRCh38, 1-based): chr5:132,608,725, A duplicated; the last of 3 consecutive A bases (chr5:132,608,723-132,608,725); duplicating any one gives the same sequence. VCF-style (leftmost placement, unchanged base first): chr5-132608722-T-TA. GRCh37 (hg19) VCF-style: chr5-131944414-T-TA.
Other names: short protein forms L944fs.
Identifiers: ClinVar variation 2712855 (VCV002712855.3), dbSNP rs2479370159, ClinGen allele CA2697546496.